The following is an entry in ClinVar:

NM_138694.4(PKHD1):c.11747C>G (p.Ser3916Ter)

Gene: PKHD1 (PKHD1 ciliary IPT domain containing fibrocystin/polyductin; minus strand). Cytogenetic location: 6p12.3.
Variant type: single nucleotide variant.
Coding change: c.11747C>G on transcript NM_138694.4 (MANE Select); coding-DNA position 11747, C replaced by G.
Protein change: p.Ser3916Ter; replaces serine 3916 with a stop codon.
Molecular consequence: nonsense.
Genome position (GRCh38, 1-based): chr6:51,627,035, G>C on the plus strand (C>G on the coding strand, the complement: PKHD1 is on the minus strand). VCF-style: chr6-51627035-G-C. GRCh37 (hg19) VCF-style: chr6-51491833-G-C.
Other names: c.11747C>G (NM_138694.3); short protein forms S3916*.
Identifiers: ClinVar variation 597072 (VCV000597072.19), dbSNP rs760426769, ClinGen allele CA3850716.

ClinVar aggregate classification (germline): Conflicting classifications of pathogenicity. Review status: criteria provided, conflicting classifications (1 of 4 stars). 10 submissions from 9 submitters: Pathogenic (3); Likely pathogenic (6); Uncertain significance (1). Last evaluated 2025-10-07.

Conditions:
PKHD1-related disorder. Also called: PKHD1-related condition.
Polycystic kidney disease 4 (PKD4). Also called: POLYCYSTIC KIDNEY DISEASE 4 WITH OR WITHOUT POLYCYSTIC LIVER DISEASE; Autosomal Recessive Polycystic Kidney Disease – PKHD1; POLYCYSTIC KIDNEY AND HEPATIC DISEASE 1; POLYCYSTIC KIDNEY DISEASE, INFANTILE, TYPE I; PKD3. Identifiers: MedGen C4540575, MONDO:0033004, OMIM 263200.
Polycystic kidney disease, adult type (PKD1). Also called: POLYCYSTIC KIDNEY DISEASE, ADULT, TYPE I; Polycystic Kidney, Autosomal Dominant; Polycystic Kidney Disease 1, Autosomal Dominant; Polycystic kidney disease 1; Polycystic kidney disease 1, severe; POLYCYSTIC KIDNEY DISEASE 1 WITH OR WITHOUT POLYCYSTIC LIVER DISEASE. Identifiers: MedGen C3149841, MONDO:0008263, OMIM 173900.
Autosomal recessive polycystic kidney disease (ARPKD). Also called: AR polycystic kidney disease. Identifiers: Orphanet 731, Orphanet 8378, MedGen C0085548, MeSH D017044, MONDO:0009889.

Allele frequency attached by ClinVar (database versions not stated): gnomAD below 0.00001 and 0.00002; TOPMed below 0.00001; ExAC 0.00001; gnomAD exomes 0.00003.
gnomAD v4.1: 20 of 1,613,310 alleles (0.0012%); highest among the groups gnomAD compares: South Asian, 0.021%; no homozygotes.

Submissions (10):

Myriad Genetics, Inc.
Classification: Pathogenic for Polycystic kidney disease 4. Last evaluated: 2025-10-07. Review status: criteria provided, single submitter. Criteria: Myriad Autosomal Dominant, Autosomal Recessive and X-Linked Classification Criteria (2023). Collection method: clinical testing. Allele origin: unknown.
Comment: NM_138694.3(PKHD1):c.11747C>G(S3916*) is a nonsense variant classified as pathogenic in the context of autosomal recessive polycystic kidney disease, PKHD1-related. S3916* has not been observed in cases with relevant disease. Relevant functional assessments of this variant are not available in the literature. S3916* has been observed in referenced population frequency databases. In summary, NM_138694.3(PKHD1):c.11747C>G(S3916*) is a nonsense variant in a gene where loss of function is a known mechanism of disease and is predicted to disrupt protein function. Please note: this variant was assessed in the context of healthy population screening.

Natera, Inc.
Classification: Likely pathogenic for Autosomal recessive polycystic kidney disease. Last evaluated: 2025-09-09. Review status: criteria provided, single submitter. Criteria: Natera Variant Classification Schema (03/2026). Collection method: clinical testing. Allele origin: germline.
Comment: The c.11747C>G variant in PKHD1 is a nonsense variant predicted to introduce a stop codon at amino acid 3916. This variant is expected to result in nonsense mediated decay, truncation, or a dysfunctional protein product. This variant is rare in the general population with a frequency below the threshold expected for the associated phenotype(s). Given the available evidence, this variant is classified as Likely Pathogenic.

PreventionGenetics, part of Exact Sciences
Classification: Likely pathogenic for PKHD1-related condition. Last evaluated: 2025-06-17. Review status: criteria provided, single submitter. Criteria: ACMG Guidelines, 2015. Collection method: clinical testing. Allele origin: germline.
Comment: The PKHD1 c.11747C>G variant is predicted to result in premature protein termination (p.Ser3916*). To our knowledge, this variant has not been reported in the literature. This variant is located within the last 50 base pairs of the penultimate exon (66 of 67) of the PKHD1 gene. However, a more downstream (3') nonsense variant in this gene, defined as c.11881C>T (p.Arg3961*), has been reported in two siblings with autosomal recessive polycystic kidney disease (ARPKD) in trans with a pathogenic variant c.11611T>C (p.Trp3871Arg), and this 3' end nonsense variant is likely pathogenic as the second causative allele for ARPKD in this family (Ishiko et al. 2021. PubMed ID: 34536170). The c.11747C>G (p.Ser3916*) variant is reported in 0.023% of alleles in individuals of South Asian descent in gnomAD. In summary, this variant is interpreted as likely pathogenic.

Genetics and Genomic Medicine Centre, NeuroGen Healthcare, NeuroGen Healthcare
Classification: Uncertain significance for Polycystic kidney disease 4. Last evaluated: 2024-05-03. Review status: criteria provided, single submitter. Criteria: ACMG Guidelines, 2015. Collection method: clinical testing. Allele origin: unknown. Affected: yes.

Baylor Genetics
Classification: Likely pathogenic for Polycystic kidney disease 4. Last evaluated: 2024-02-24. Review status: criteria provided, single submitter. Criteria: ACMG Guidelines, 2015. Collection method: clinical testing. Allele origin: unknown.

Fulgent Genetics
Classification: Likely pathogenic for Polycystic kidney disease 4. Last evaluated: 2023-12-20. Review status: criteria provided, single submitter. Criteria: ACMG Guidelines, 2015. Collection method: clinical testing. Allele origin: germline.

Labcorp Genetics (formerly Invitae), Labcorp
Classification: Pathogenic for Autosomal recessive polycystic kidney disease. Last evaluated: 2022-11-01. Review status: criteria provided, single submitter. Criteria: Invitae Variant Classification Sherloc (09022015). Collection method: clinical testing. Allele origin: germline.
Comment: For these reasons, this variant has been classified as Pathogenic. This variant disrupts a region of the PKHD1 protein in which other variant(s) (p.Arg3961*) have been determined to be pathogenic (Invitae). This suggests that this is a clinically significant region of the protein, and that variants that disrupt it are likely to be disease-causing. ClinVar contains an entry for this variant (Variation ID: 597072). This variant has not been reported in the literature in individuals affected with PKHD1-related conditions. This variant is present in population databases (rs760426769, gnomAD 0.02%). This sequence change creates a premature translational stop signal (p.Ser3916*) in the PKHD1 gene. While this is not anticipated to result in nonsense mediated decay, it is expected to disrupt the last 159 amino acid(s) of the PKHD1 protein.

Eurofins Ntd Llc (ga)
Classification: Pathogenic. Last evaluated: 2018-05-01. Review status: criteria provided, single submitter. Criteria: EGL ClinVar v180209 classification definitions. Collection method: clinical testing. Allele origin: germline. Observed: 1 variant allele, 1 heterozygote.

Baylor Genetics
Classification: Likely pathogenic for Polycystic kidney disease 4. Review status: criteria provided, single submitter. Criteria: ACMG Guidelines, 2015. Collection method: clinical testing. Allele origin: germline.

Neuberg Centre For Genomic Medicine, NCGM
Classification: Likely pathogenic for Polycystic kidney disease, adult type. Review status: criteria provided, single submitter. Criteria: ACMG Guidelines, 2015. Collection method: clinical testing. Allele origin: germline. Inheritance: Autosomal recessive inheritance. Affected: yes.